The following is an entry in ClinVar:

ClinVar aggregate classification (germline): Likely benign (1 of 4 stars; one submission).

Conditions:
Split hand-foot malformation 3. Also called: CHROMOSOME 10q24 DUPLICATION SYNDROME; SHSF3; Buttiens Fryns syndrome. Identifiers: Orphanet 1307, MedGen C1838652, MONDO:0009525, OMIM 246560.

Submission:

Centre for Medical Genetics,  Mumbai
Classification: Likely benign for Split-hand/foot malformation 3. Last evaluated: 2026-02-09. Review status: criteria provided, single submitter. Criteria: ACMG Guidelines, 2015. Collection method: provider interpretation. Allele origin: germline. Inheritance: Autosomal dominant inheritance. Affected: no. Observed: 1 heterozygote.
Comment: The variant satisfies PM2 criteria; Extremely low frequency in gnomAD population databases. However, the variant satisfies BS2 criteria.

Literature cited by the submitters: PubMed 12913067.

NM_022039.4(FBXW4):c.79C>T (p.Gln27Ter)

Genes: FBXW4 (F-box and WD repeat domain containing 4; minus strand), LOC130004564 (ATAC-STARR-seq lymphoblastoid silent region 2724; plus strand). Cytogenetic location: 10q24.32.
Variant type: single nucleotide variant.
Coding change: c.79C>T on transcript NM_022039.4 (MANE Select); coding-DNA position 79, C replaced by T.
Protein change: p.Gln27Ter; replaces glutamine 27 with a stop codon.
Molecular consequence: nonsense. On other transcripts: non-coding transcript variant (1), intron variant (1).
Genome position (GRCh38, 1-based): chr10:101,695,027, G>A on the plus strand (C>T on the coding strand, the complement: FBXW4 is on the minus strand). VCF-style: chr10-101695027-G-A. GRCh37 (hg19) VCF-style: chr10-103454784-G-A.
Other names: c.-2+213C>T (NM_001323541.2); short protein forms Q27*.
Identifiers: ClinVar variation 4759221 (VCV004759221.1).